The following is an entry in ClinVar:

NM_006767.4(LZTR1):c.1669T>G (p.Phe557Val)

Gene: LZTR1 (leucine zipper like post translational regulator 1; plus strand). Cytogenetic location: 22q11.21.
Variant type: single nucleotide variant.
Coding change: c.1669T>G on transcript NM_006767.4 (MANE Select); coding-DNA position 1669, T replaced by G.
Protein change: p.Phe557Val; replaces phenylalanine 557 with valine.
Molecular consequence: missense variant.
Genome position (GRCh38, 1-based): chr22:20,994,611, T>G. VCF-style: chr22-20994611-T-G. GRCh37 (hg19) VCF-style: chr22-21348900-T-G.
Other names: short protein forms F557V.
Identifiers: ClinVar variation 1777640 (VCV001777640.3), dbSNP rs2518621730, ClinGen allele CA410776751.

ClinVar aggregate classification (germline): Uncertain significance. Review status: criteria provided, multiple submitters, no conflicts (2 of 4 stars). 2 submissions from 2 submitters: Uncertain significance (2). Last evaluated 2025-12-21.

Conditions:
Cardiovascular phenotype. Identifiers: MedGen CN230736.
Hereditary cancer-predisposing syndrome. Also called: Neoplastic Syndromes, Hereditary; Tumor predisposition; Hereditary Cancer Syndrome; Hereditary neoplastic syndrome. Identifiers: Orphanet 140162, MedGen C0027672, MeSH D009386, MONDO:0015356.

Allele frequency attached by ClinVar (database versions not stated): gnomAD exomes below 0.00001.
gnomAD v4.1: 3 of 1,612,750 alleles (0.00019%); highest among the groups gnomAD compares: Non-Finnish European, 0.00025%; no homozygotes.

Submissions (2):

Labcorp Genetics (formerly Invitae), Labcorp
Classification: Uncertain significance. Last evaluated: 2025-12-21. Review status: criteria provided, single submitter. Criteria: Invitae Variant Classification Sherloc (09022015). Collection method: clinical testing. Allele origin: germline.
Comment: This sequence change replaces phenylalanine, which is neutral and non-polar, with valine, which is neutral and non-polar, at codon 557 of the LZTR1 protein (p.Phe557Val). This variant is not present in population databases (gnomAD no frequency). This variant has not been reported in the literature in individuals affected with LZTR1-related conditions. ClinVar contains an entry for this variant (Variation ID: 1777640). Invitae Evidence Modeling of protein sequence and biophysical properties (such as structural, functional, and spatial information, amino acid conservation, physicochemical variation, residue mobility, and thermodynamic stability) indicates that this missense variant is not expected to disrupt LZTR1 protein function with a negative predictive value of 80%. In summary, the available evidence is currently insufficient to determine the role of this variant in disease. Therefore, it has been classified as a Variant of Uncertain Significance.

Ambry Genetics
Classification: Uncertain significance for Cardiovascular phenotype; Hereditary cancer-predisposing syndrome. Last evaluated: 2022-07-10. Review status: criteria provided, single submitter. Criteria: Ambry Variant Classification Scheme 2023. Collection method: clinical testing. Allele origin: germline.
Comment: The p.F557V variant (also known as c.1669T>G), located in coding exon 15 of the LZTR1 gene, results from a T to G substitution at nucleotide position 1669. The phenylalanine at codon 557 is replaced by valine, an amino acid with highly similar properties. This amino acid position is conserved. In addition, this alteration is predicted to be deleterious by in silico analysis. Since supporting evidence is limited at this time, the clinical significance of this alteration remains unclear.